The following is an entry in ClinVar:

NM_001040108.2(MLH3):c.1519A>G (p.Met507Val)

Gene: MLH3 (mutL homolog 3; minus strand). Cytogenetic location: 14q24.3.
Variant type: single nucleotide variant.
Coding change: c.1519A>G on transcript NM_001040108.2 (MANE Select); coding-DNA position 1519, A replaced by G.
Protein change: p.Met507Val; replaces methionine 507 with valine.
Molecular consequence: missense variant.
Genome position (GRCh38, 1-based): chr14:75,048,137, T>C on the plus strand (A>G on the coding strand, the complement: MLH3 is on the minus strand). VCF-style: chr14-75048137-T-C. GRCh37 (hg19) VCF-style: chr14-75514840-T-C.
Other names: c.1519A>G, p.Met507Val (NM_014381.3); short protein forms M507V.
Identifiers: ClinVar variation 665393 (VCV000665393.15), dbSNP rs371891794, ClinGen allele CA7275856.
Genomic context (GRCh38, chr14:75,048,137, plus strand): 5'-TTTCTAGATCCTGCCCACTCTCCTCAAAGTGACATGGTGTCTGAAAAGGGCTTAAAAACA[T>C]TTCTAAACTGGTTCCACACGGATTTTCTAAAGAGCTATGTTCCAGGAAAGATTTTTTATG-3'
Protein context (NP_001035197.1, residues 497-517): LENPCGTSLE[Met507Val]FLSPFQTPCH

ClinVar aggregate classification (germline): Conflicting classifications of pathogenicity. Review status: criteria provided, conflicting classifications (1 of 4 stars). 4 submissions from 4 submitters: Uncertain significance (3); Likely benign (1). Last evaluated 2026-08-26.

Conditions:
Colorectal cancer, hereditary nonpolyposis, type 7. Identifiers: Orphanet 144, MedGen C1858380, MONDO:0013725, OMIM 614385.
Colorectal cancer. Also called: Malignant Colorectal Neoplasm; Colorectal cancer, somatic. Identifiers: MedGen C0346629, MONDO:0005575, OMIM 114500.
Endometrial carcinoma. Also called: Endometrial carcinoma, somatic. Identifiers: MedGen C0476089, MONDO:0002447, OMIM 608089, HP:0012114.

Allele frequency attached by ClinVar (database versions not stated): gnomAD 0.00001 and 0.00004; TOPMed 0.00002; ExAC 0.00003; gnomAD exomes 0.00008; 1000 Genomes Project 0.00060; 1000 Genomes Project 30x 0.00062.
gnomAD v4.1: 50 of 1,614,210 alleles (0.0031%); highest among the groups gnomAD compares: East Asian, 0.049%; no homozygotes.

Submissions (4):

Ambry Genetics
Classification: Likely benign. Last evaluated: 2026-08-26. Review status: criteria provided, single submitter. Criteria: Ambry Variant Classification Scheme 2023. Collection method: clinical testing. Allele origin: germline.

Labcorp Genetics (formerly Invitae), Labcorp
Classification: Uncertain significance for Colorectal cancer, hereditary nonpolyposis, type 7. Last evaluated: 2025-12-21. Review status: criteria provided, single submitter. Criteria: Invitae Variant Classification Sherloc (09022015). Collection method: clinical testing. Allele origin: germline.
Comment: This sequence change replaces methionine, which is neutral and non-polar, with valine, which is neutral and non-polar, at codon 507 of the MLH3 protein (p.Met507Val). This variant is present in population databases (rs371891794, gnomAD 0.06%), and has an allele count higher than expected for a pathogenic variant. This variant has not been reported in the literature in individuals affected with MLH3-related conditions. ClinVar contains an entry for this variant (Variation ID: 665393). An algorithm developed to predict the effect of missense changes on protein structure and function outputs the following: PolyPhen-2: "Benign". The valine amino acid residue is found in multiple mammalian species, which suggests that this missense change does not adversely affect protein function. In summary, the available evidence is currently insufficient to determine the role of this variant in disease. Therefore, it has been classified as a Variant of Uncertain Significance.

Center for Genomic Medicine, Rigshospitalet, Copenhagen University Hospital
Classification: Uncertain significance. Last evaluated: 2025-03-04. Review status: criteria provided, single submitter. Criteria: ACMG Guidelines, 2015. Collection method: clinical testing. Allele origin: germline.

Fulgent Genetics
Classification: Uncertain significance for Colorectal cancer; Endometrial carcinoma; Colorectal cancer, hereditary nonpolyposis, type 7. Last evaluated: 2024-06-19. Review status: criteria provided, single submitter. Criteria: ACMG Guidelines, 2015. Collection method: clinical testing. Allele origin: germline.